The following is an entry in ClinVar:

NM_001006658.3(CR2):c.1975A>G (p.Lys659Glu)

Gene: CR2 (complement C3d receptor 2; plus strand). Cytogenetic location: 1q32.2.
Variant type: single nucleotide variant.
Coding change: c.1975A>G on transcript NM_001006658.3 (MANE Select); coding-DNA position 1975, A replaced by G.
Protein change: p.Lys659Glu; replaces lysine 659 with glutamic acid.
Molecular consequence: missense variant.
Genome position (GRCh38, 1-based): chr1:207,473,176, A>G. VCF-style: chr1-207473176-A-G. GRCh37 (hg19) VCF-style: chr1-207646521-A-G.
Other names: c.1975A>G, p.Lys659Glu (NM_001877.5); short protein forms K659E.
Identifiers: ClinVar variation 1372043 (VCV001372043.6), dbSNP rs1247411868, ClinGen allele CA344535558.

ClinVar aggregate classification (germline): Uncertain significance (1 of 4 stars; one submission).

Conditions:
Immunodeficiency, common variable, 7. Identifiers: Orphanet 1572, Orphanet 696894, MedGen C3542922, MONDO:0013862, OMIM 614699.

Allele frequency attached by ClinVar (database versions not stated): gnomAD exomes below 0.00001.
gnomAD v4.1: 1 of 1,613,762 alleles (0.000062%); highest among the groups gnomAD compares: Non-Finnish European, 0.000085%; no homozygotes.

Submission:

Labcorp Genetics (formerly Invitae), Labcorp
Classification: Uncertain significance for Immunodeficiency, common variable, 7. Last evaluated: 2021-08-03. Review status: criteria provided, single submitter. Criteria: Invitae Variant Classification Sherloc (09022015). Collection method: clinical testing. Allele origin: germline.
Comment: In summary, the available evidence is currently insufficient to determine the role of this variant in disease. Therefore, it has been classified as a Variant of Uncertain Significance. Algorithms developed to predict the effect of missense changes on protein structure and function are either unavailable or do not agree on the potential impact of this missense change (SIFT: "Tolerated"; PolyPhen-2: "Probably Damaging"; Align-GVGD: "Class C0"). This variant has not been reported in the literature in individuals affected with CR2-related conditions. This variant is not present in population databases (ExAC no frequency). This sequence change replaces lysine with glutamic acid at codon 659 of the CR2 protein (p.Lys659Glu). The lysine residue is moderately conserved and there is a small physicochemical difference between lysine and glutamic acid.